The following is an entry in ClinVar:

NM_018965.4(TREM2):c.677-10A>G

Gene: TREM2 (triggering receptor expressed on myeloid cells 2; minus strand). Cytogenetic location: 6p21.1.
Variant type: single nucleotide variant.
Coding change: c.677-10A>G on transcript NM_018965.4 (MANE Select); 10 bases into the intron before coding-DNA position 677, A replaced by G.
Molecular consequence: intron variant.
Genome position (GRCh38, 1-based): chr6:41,158,790, T>C on the plus strand (A>G on the coding strand, the complement: TREM2 is on the minus strand). VCF-style: chr6-41158790-T-C. GRCh37 (hg19) VCF-style: chr6-41126528-T-C.
Other names: c.483-10A>G (NM_001271821.2); c.677-10A>G (NM_018965.3).
Identifiers: ClinVar variation 1447460 (VCV001447460.10), dbSNP rs747161513, ClinGen allele CA3798810.

ClinVar aggregate classification (germline): Likely benign. Review status: criteria provided, single submitter (1 of 4 stars). 2 submissions from 2 submitters: Likely benign (1). 1 of the submissions does not count toward it. Last evaluated 2024-06-12.

Conditions:
TREM2-related disorder. Also called: TREM2-related condition.

Allele frequency attached by ClinVar (database versions not stated): gnomAD exomes 0.00001 and 0.00002; ExAC 0.00002; TOPMed 0.00015; gnomAD 0.00016 and 0.00019.
gnomAD v4.1: 36 of 1,614,052 alleles (0.0022%); highest among the groups gnomAD compares: African/African-American, 0.041%; no homozygotes.

Submissions (2):

Labcorp Genetics (formerly Invitae), Labcorp
Classification: Likely benign. Last evaluated: 2024-06-12. Review status: criteria provided, single submitter. Criteria: Invitae Variant Classification Sherloc (09022015). Collection method: clinical testing. Allele origin: germline.

PreventionGenetics, part of Exact Sciences
Classification: Likely benign for TREM2-related condition. Last evaluated: 2019-08-13. Review status: no assertion criteria provided. Collection method: clinical testing. Allele origin: germline. Not counted in ClinVar's aggregate classification.
Comment: This variant is classified as likely benign based on ACMG/AMP sequence variant interpretation guidelines (Richards et al. 2015 PMID: 25741868, with internal and published modifications).